The following is an entry in ClinVar:

ClinVar aggregate classification (germline): Uncertain significance. Review status: criteria provided, multiple submitters, no conflicts (2 of 4 stars). 2 submissions from 2 submitters: Uncertain significance (2). Last evaluated 2025-03-23.

Conditions:
Cardiovascular phenotype. Identifiers: MedGen CN230736.

Allele frequency attached by ClinVar (database versions not stated): ExAC 0.00002.
gnomAD v4.1: 23 of 1,592,668 alleles (0.0014%); highest among the groups gnomAD compares: South Asian, 0.017%; no homozygotes.

Submissions (2):

Ambry Genetics
Classification: Uncertain significance for Cardiovascular phenotype. Last evaluated: 2025-03-23. Review status: criteria provided, single submitter. Criteria: Ambry Variant Classification Scheme 2023. Collection method: clinical testing. Allele origin: germline.
Comment: The p.P423L variant (also known as c.1268C>T), located in coding exon 2 of the TNXB gene, results from a C to T substitution at nucleotide position 1268. The proline at codon 423 is replaced by leucine, an amino acid with similar properties. This amino acid position is conserved. In addition, this alteration is predicted to be tolerated by in silico analysis. Based on the available evidence, the clinical significance of this variant remains unclear.

GeneDx
Classification: Uncertain significance. Last evaluated: 2022-01-24. Review status: criteria provided, single submitter. Criteria: GeneDx Variant Classification Process June 2021. Collection method: clinical testing. Allele origin: germline. Affected: yes.
Comment: Has not been previously published as pathogenic or benign to our knowledge; In silico analysis supports that this missense variant has a deleterious effect on protein structure/function

NM_001365276.2(TNXB):c.1268C>T (p.Pro423Leu)

Gene: TNXB (tenascin XB; minus strand). Cytogenetic location: 6p21.33.
Variant type: single nucleotide variant.
Coding change: c.1268C>T on transcript NM_001365276.2 (MANE Select); coding-DNA position 1268, C replaced by T.
Protein change: p.Pro423Leu; replaces proline 423 with leucine.
Molecular consequence: missense variant.
Genome position (GRCh38, 1-based): chr6:32,096,585, G>A on the plus strand (C>T on the coding strand, the complement: TNXB is on the minus strand). VCF-style: chr6-32096585-G-A. GRCh37 (hg19) VCF-style: chr6-32064362-G-A.
Other names: c.1268C>T, p.Pro423Leu (NM_019105.8); short protein forms P423L.
Identifiers: ClinVar variation 1698361 (VCV001698361.3), dbSNP rs751586423, ClinGen allele CA3735706.
Genomic context (GRCh38, chr6:32,096,585, plus strand): 5'-CCGCGACCTCTACAGTCGCGTGGGCAGGCGCGCGAGCCGCAATCGGTTCCAGTGTACCCC[G>A]GCCAGCACACGCAGCGGCCGTCCTCGCAGCGGCCCCTTTGGTTGCAGTCGCCAGGGCAGC-3'
Protein context (NP_001352205.1, residues 413-433): RCEDGRCVCW[Pro423Leu]GYTGTDCGSR